The following is an entry in ClinVar:

ClinVar aggregate classification (germline): Uncertain significance (1 of 4 stars; one submission).

Conditions:
FLNC-related disorder. Also called: FLNC-related condition; FLNC-related disorders.

Submission:

PreventionGenetics, part of Exact Sciences
Classification: Uncertain significance for FLNC-related condition. Last evaluated: 2025-07-18. Review status: criteria provided, single submitter. Criteria: ACMG Guidelines, 2015. Collection method: clinical testing. Allele origin: germline.
Comment: The FLNC c.6073A>G variant is predicted to result in the amino acid substitution p.Thr2025Ala. To our knowledge, this variant has not been reported in the literature or in a large population database (gnomAD), indicating this variant is rare. At this time, the clinical significance of this variant is uncertain due to the absence of conclusive functional and genetic evidence.

NM_001458.5(FLNC):c.6073A>G (p.Thr2025Ala)

Genes: FLNC (filamin C; plus strand), FLNC-AS1 (FLNC antisense RNA 1; minus strand). Cytogenetic location: 7q32.1.
Variant type: single nucleotide variant.
Coding change: c.6073A>G on transcript NM_001458.5 (MANE Select); coding-DNA position 6073, A replaced by G.
Protein change: p.Thr2025Ala; replaces threonine 2025 with alanine.
Molecular consequence: missense variant.
Genome position (GRCh38, 1-based): chr7:128,852,896, A>G. VCF-style: chr7-128852896-A-G. GRCh37 (hg19) VCF-style: chr7-128492950-A-G.
Other names: c.5974A>G, p.Thr1992Ala (NM_001127487.2); short protein forms T1992A, T2025A.
Identifiers: ClinVar variation 4998160 (VCV004998160.1).